The following is an entry in ClinVar:

ClinVar aggregate classification (germline): Uncertain significance. Review status: criteria provided, multiple submitters, no conflicts (2 of 4 stars). 2 submissions from 2 submitters: Uncertain significance (2). Last evaluated 2023-12-15.

Conditions:
Inborn genetic diseases. Identifiers: MedGen C0950123, MeSH D030342.

gnomAD v4.1: 1 of 1,614,200 alleles (0.000062%); highest among the groups gnomAD compares: East Asian, 0.0022%; no homozygotes.

Submissions (2):

Ambry Genetics
Classification: Uncertain significance for Inborn genetic diseases. Last evaluated: 2023-12-15. Review status: criteria provided, single submitter. Criteria: Ambry Variant Classification Scheme 2023. Collection method: clinical testing. Allele origin: germline.

GeneDx
Classification: Uncertain significance. Last evaluated: 2021-04-01. Review status: criteria provided, single submitter. Criteria: GeneDx Variant Classification Process June 2021. Collection method: clinical testing. Allele origin: germline. Affected: yes.
Comment: In silico analysis supports that this missense variant does not alter protein structure/function; Has not been previously published as pathogenic or benign to our knowledge

NM_004738.5(VAPB):c.643G>A (p.Gly215Arg)

Gene: VAPB (VAMP associated protein B and C; plus strand). Cytogenetic location: 20q13.32.
Variant type: single nucleotide variant.
Coding change: c.643G>A on transcript NM_004738.5 (MANE Select); coding-DNA position 643, G replaced by A.
Protein change: p.Gly215Arg; replaces glycine 215 with arginine.
Molecular consequence: missense variant. On other transcripts: nonsense (1), non-coding transcript variant (1).
Genome position (GRCh38, 1-based): chr20:58,444,146, G>A. VCF-style: chr20-58444146-G-A. GRCh37 (hg19) VCF-style: chr20-57019202-G-A.
Other names: c.281G>A, p.Trp94Ter (NM_001195677.2); short protein forms G215R, W94*.
Identifiers: ClinVar variation 1314423 (VCV001314423.3), dbSNP rs765382321, ClinGen allele CA9924320.